The following is an entry in ClinVar:

ClinVar aggregate classification (germline): Uncertain significance. Review status: criteria provided, multiple submitters, no conflicts (2 of 4 stars). 3 submissions from 3 submitters: Uncertain significance (3). Last evaluated 2025-08-26.

Conditions:
Ullrich congenital muscular dystrophy 2 (UCMD2). Identifiers: Orphanet 75840, MedGen C4225314, MONDO:0014654, OMIM 616470.
Bethlem myopathy 2 (BTHLM2). Identifiers: Orphanet 536516, Orphanet 610, MedGen C4225313, MONDO:0034022, OMIM 616471.
Inborn genetic diseases. Identifiers: MedGen C0950123, MeSH D030342.

Allele frequency attached by ClinVar (database versions not stated): gnomAD 0.00001; gnomAD exomes 0.00001; TOPMed 0.00001; ExAC 0.00002; ESP Exome Variant Server 0.00008.
gnomAD v4.1: 5 of 1,613,784 alleles (0.00031%); highest among the groups gnomAD compares: Non-Finnish European, 0.00042%; no homozygotes.

Submissions (3):

Ambry Genetics
Classification: Uncertain significance for Inborn genetic diseases. Last evaluated: 2025-08-26. Review status: criteria provided, single submitter. Criteria: Ambry Variant Classification Scheme 2023. Collection method: clinical testing. Allele origin: germline.

Labcorp Genetics (formerly Invitae), Labcorp
Classification: Uncertain significance for Bethlem myopathy 2; Ullrich congenital muscular dystrophy 2. Last evaluated: 2024-12-02. Review status: criteria provided, single submitter. Criteria: Invitae Variant Classification Sherloc (09022015). Collection method: clinical testing. Allele origin: germline.
Comment: This sequence change replaces alanine, which is neutral and non-polar, with valine, which is neutral and non-polar, at codon 2385 of the COL12A1 protein (p.Ala2385Val). This variant is present in population databases (rs372896052, gnomAD 0.002%). This variant has not been reported in the literature in individuals affected with COL12A1-related conditions. ClinVar contains an entry for this variant (Variation ID: 1423402). Invitae Evidence Modeling of protein sequence and biophysical properties (such as structural, functional, and spatial information, amino acid conservation, physicochemical variation, residue mobility, and thermodynamic stability) indicates that this missense variant is not expected to disrupt COL12A1 protein function with a negative predictive value of 80%. In summary, the available evidence is currently insufficient to determine the role of this variant in disease. Therefore, it has been classified as a Variant of Uncertain Significance.

Mayo Clinic Laboratories, Mayo Clinic
Classification: Uncertain significance. Last evaluated: 2024-04-11. Review status: criteria provided, single submitter. Criteria: ACMG Guidelines, 2015. Collection method: clinical testing. Allele origin: germline. Observed: 1 variant allele.
Comment: PM2

NM_004370.6(COL12A1):c.7154C>T (p.Ala2385Val)

Genes: COL12A1 (collagen type XII alpha 1 chain; minus strand), LOC126859712 (MED14-independent group 3 enhancer GRCh37_chr6:75828643-75829842; plus strand). Cytogenetic location: 6q13.
Variant type: single nucleotide variant.
Coding change: c.7154C>T on transcript NM_004370.6 (MANE Select); coding-DNA position 7154, C replaced by T.
Protein change: p.Ala2385Val; replaces alanine 2385 with valine.
Molecular consequence: missense variant.
Genome position (GRCh38, 1-based): chr6:75,119,406, G>A on the plus strand (C>T on the coding strand, the complement: COL12A1 is on the minus strand). VCF-style: chr6-75119406-G-A. GRCh37 (hg19) VCF-style: chr6-75829122-G-A.
Other names: p.Ala2385Val; c.7154C>T (NM_004370.5); c.3662C>T, p.Ala1221Val (NM_080645.3); short protein forms A1221V, A2385V.
Identifiers: ClinVar variation 1423402 (VCV001423402.10), dbSNP rs372896052, ClinGen allele CA3892632.